The following is an entry in ClinVar:

NM_001365999.1(SZT2):c.7176G>A (p.Leu2392=)

Gene: SZT2 (SZT2 subunit of KICSTOR complex; plus strand). Cytogenetic location: 1p34.2.
Variant type: single nucleotide variant.
Coding change: c.7176G>A on transcript NM_001365999.1 (MANE Select); coding-DNA position 7176, G replaced by A.
Protein change: p.Leu2392=; no amino-acid change (leucine 2392 retained).
Molecular consequence: synonymous variant.
Genome position (GRCh38, 1-based): chr1:43,440,014, G>A. VCF-style: chr1-43440014-G-A. GRCh37 (hg19) VCF-style: chr1-43905685-G-A.
Other names: c.7005G>A, p.Leu2335= (NM_015284.4).
Identifiers: ClinVar variation 1142867 (VCV001142867.29), dbSNP rs564571391, ClinGen allele CA810127.
Genomic context (GRCh38, chr1:43,440,014, plus strand): 5'-GAAACTCCGAGGAGCAGCTCGCCAGGCCCTGGCCGATGCCATCATCGAGCTTCAGCTGCT[G>A]CCAGCTTCACTATGTACAGAGGACACACCCACAGGTATGCAAGTCAAGAGGTCCCTGGGG-3'
Protein context (NP_001352928.1, residues 2382-2402): LADAIIELQL[Leu2392=]PASLCTEDTP

ClinVar aggregate classification (germline): Likely benign. Review status: criteria provided, multiple submitters, no conflicts (2 of 4 stars). 2 submissions from 2 submitters: Likely benign (2). Last evaluated 2024-04-01.

Allele frequency attached by ClinVar (database versions not stated): gnomAD exomes below 0.00001; ExAC 0.00001; gnomAD 0.00001; TOPMed 0.00003; 1000 Genomes Project 30x 0.00016; 1000 Genomes Project 0.00020.
gnomAD v4.1: 5 of 1,614,106 alleles (0.00031%); highest among the groups gnomAD compares: African/African-American, 0.0053%; no homozygotes.

Submissions (2):

CeGaT Center for Human Genetics Tuebingen
Classification: Likely benign. Last evaluated: 2024-04-01. Review status: criteria provided, single submitter. Criteria: CeGaT Center For Human Genetics Tuebingen Variant Classification Criteria Version 2. Collection method: clinical testing. Allele origin: germline. Affected: yes. Observed: 1 variant allele.
Comment: SZT2: BP4, BP7

Labcorp Genetics (formerly Invitae), Labcorp
Classification: Likely benign. Last evaluated: 2023-01-20. Review status: criteria provided, single submitter. Criteria: Invitae Variant Classification Sherloc (09022015). Collection method: clinical testing. Allele origin: germline.